The following is an entry in ClinVar:

NM_000426.4(LAMA2):c.6601A>C (p.Lys2201Gln)

Gene: LAMA2 (laminin subunit alpha 2; plus strand). Cytogenetic location: 6q22.33.
Variant type: single nucleotide variant.
Coding change: c.6601A>C on transcript NM_000426.4 (MANE Select); coding-DNA position 6601, A replaced by C.
Protein change: p.Lys2201Gln; replaces lysine 2201 with glutamine.
Molecular consequence: missense variant.
Genome position (GRCh38, 1-based): chr6:129,454,182, A>C. VCF-style: chr6-129454182-A-C. GRCh37 (hg19) VCF-style: chr6-129775327-A-C.
Other names: c.6601A>C, p.Lys2201Gln (NM_001079823.2); short protein forms K2201Q.
Identifiers: ClinVar variation 1953097 (VCV001953097.2), dbSNP rs2533419096, ClinGen allele CA365616924.

ClinVar aggregate classification (germline): Uncertain significance (1 of 4 stars; one submission).

Conditions:
LAMA2-related muscular dystrophy (LAMA2-RD). Also called: Laminin alpha 2-related dystrophy. Identifiers: MedGen C5679788, MONDO:0100228.

Submission:

Labcorp Genetics (formerly Invitae), Labcorp
Classification: Uncertain significance for LAMA2-related muscular dystrophy. Last evaluated: 2022-07-12. Review status: criteria provided, single submitter. Criteria: Invitae Variant Classification Sherloc (09022015). Collection method: clinical testing. Allele origin: germline.
Comment: This sequence change replaces lysine, which is basic and polar, with glutamine, which is neutral and polar, at codon 2201 of the LAMA2 protein (p.Lys2201Gln). This variant is not present in population databases (gnomAD no frequency). This variant has not been reported in the literature in individuals affected with LAMA2-related conditions. Advanced modeling of protein sequence and biophysical properties (such as structural, functional, and spatial information, amino acid conservation, physicochemical variation, residue mobility, and thermodynamic stability) performed at Invitae indicates that this missense variant is not expected to disrupt LAMA2 protein function. In summary, the available evidence is currently insufficient to determine the role of this variant in disease. Therefore, it has been classified as a Variant of Uncertain Significance.